The following is an entry in ClinVar:

ClinVar aggregate classification (germline): Uncertain significance. Review status: criteria provided, multiple submitters, no conflicts (2 of 4 stars). 4 submissions from 4 submitters: Uncertain significance (4). Last evaluated 2025-04-28.

Conditions:
Inborn genetic diseases. Identifiers: MedGen C0950123, MeSH D030342.
X-linked myopathy with excessive autophagy (AVM). Also called: Vacuolar myopathy; Autophagic vacuolar myopathy. Identifiers: Orphanet 25980, MedGen C1839615, MONDO:0010684, OMIM 310440.

Allele frequency attached by ClinVar (database versions not stated): TOPMed below 0.00001; gnomAD exomes 0.00001.
gnomAD v4.1: 8 of 1,210,556 alleles (0.00066%); highest among the groups gnomAD compares: South Asian, 0.0088%; no homozygotes.

Submissions (4):

Labcorp Genetics (formerly Invitae), Labcorp
Classification: Uncertain significance for X-linked myopathy with excessive autophagy. Last evaluated: 2025-04-28. Review status: criteria provided, single submitter. Criteria: Invitae Variant Classification Sherloc (09022015). Collection method: clinical testing. Allele origin: germline.
Comment: This sequence change replaces alanine, which is neutral and non-polar, with threonine, which is neutral and polar, at codon 75 of the VMA21 protein (p.Ala75Thr). This variant is present in population databases (no rsID available, gnomAD 0.008%). This variant has not been reported in the literature in individuals affected with VMA21-related conditions. ClinVar contains an entry for this variant (Variation ID: 939455). An algorithm developed to predict the effect of missense changes on protein structure and function (PolyPhen-2) suggests that this variant is likely to be disruptive. In summary, the available evidence is currently insufficient to determine the role of this variant in disease. Therefore, it has been classified as a Variant of Uncertain Significance.

Ambry Genetics
Classification: Uncertain significance for Inborn genetic diseases. Last evaluated: 2025-01-10. Review status: criteria provided, single submitter. Criteria: Ambry Variant Classification Scheme 2023. Collection method: clinical testing. Allele origin: germline.

Institute for Clinical Genetics, University Hospital TU Dresden, University Hospital TU Dresden
Classification: Uncertain significance. Last evaluated: 2021-11-03. Review status: criteria provided, single submitter. Criteria: ACMG Guidelines, 2015. Collection method: clinical testing. Allele origin: germline.

Revvity Omics, Revvity
Classification: Uncertain significance for X-linked myopathy with excessive autophagy. Last evaluated: 2021-04-16. Review status: criteria provided, single submitter. Criteria: ACMG Guidelines, 2015. Collection method: clinical testing. Allele origin: germline.

NM_001017980.4(VMA21):c.223G>A (p.Ala75Thr)

Gene: VMA21 (vacuolar ATPase assembly factor VMA21; plus strand). Cytogenetic location: Xq28.
Variant type: single nucleotide variant.
Coding change: c.223G>A on transcript NM_001017980.4 (MANE Select); coding-DNA position 223, G replaced by A.
Protein change: p.Ala75Thr; replaces alanine 75 with threonine.
Molecular consequence: missense variant.
Genome position (GRCh38, 1-based): chrX:151,404,975, G>A. VCF-style: chrX-151404975-G-A. GRCh37 (hg19) VCF-style: chrX-150573447-G-A.
Other names: c.388G>A, p.Ala130Thr (NM_001363810.1); short protein forms A130T, A75T.
Identifiers: ClinVar variation 939455 (VCV000939455.17), dbSNP rs1464563401, ClinGen allele CA415271253.